The following is an entry in ClinVar:

ClinVar aggregate classification (germline): Uncertain significance (1 of 4 stars; one submission).

Conditions:
Epilepsy, familial adult myoclonic, 5 (EPEO5). Also called: CORTICAL MYOCLONIC TREMOR WITH EPILEPSY, FAMILIAL, 5. Identifiers: Orphanet 86814, MedGen C3809374, MONDO:0014167, OMIM 615400.

Allele frequency attached by ClinVar (database versions not stated): gnomAD exomes 0.00001; TOPMed 0.00001; ExAC 0.00002; gnomAD 0.00002; 1000 Genomes Project 0.00020; 1000 Genomes Project 30x 0.00062.
gnomAD v4.1: 17 of 1,612,306 alleles (0.0011%); highest among the groups gnomAD compares: South Asian, 0.012%; 1 homozygote.

Submission:

Labcorp Genetics (formerly Invitae), Labcorp
Classification: Uncertain significance for Epilepsy, familial adult myoclonic, 5. Last evaluated: 2022-03-12. Review status: criteria provided, single submitter. Criteria: Invitae Variant Classification Sherloc (09022015). Collection method: clinical testing. Allele origin: germline.
Comment: This sequence change replaces threonine, which is neutral and polar, with asparagine, which is neutral and polar, at codon 945 of the CNTN2 protein (p.Thr945Asn). This variant is present in population databases (rs190285844, gnomAD 0.01%). This variant has not been reported in the literature in individuals affected with CNTN2-related conditions. Advanced modeling of protein sequence and biophysical properties (such as structural, functional, and spatial information, amino acid conservation, physicochemical variation, residue mobility, and thermodynamic stability) performed at Invitae indicates that this missense variant is not expected to disrupt CNTN2 protein function. In summary, the available evidence is currently insufficient to determine the role of this variant in disease. Therefore, it has been classified as a Variant of Uncertain Significance.

NM_005076.5(CNTN2):c.2834C>A (p.Thr945Asn)

Genes: CNTN2 (contactin 2; plus strand), LOC126805985 (MED14-independent group 3 enhancer GRCh37_chr1:205041546-205042745; plus strand). Cytogenetic location: 1q32.1.
Variant type: single nucleotide variant.
Coding change: c.2834C>A on transcript NM_005076.5 (MANE Select); coding-DNA position 2834, C replaced by A.
Protein change: p.Thr945Asn; replaces threonine 945 with asparagine.
Molecular consequence: missense variant. On other transcripts: non-coding transcript variant (1).
Genome position (GRCh38, 1-based): chr1:205,072,585, C>A. VCF-style: chr1-205072585-C-A. GRCh37 (hg19) VCF-style: chr1-205041713-C-A.
Other names: c.2834C>A, p.Thr945Asn (NM_001346083.2); short protein forms T945N.
Identifiers: ClinVar variation 2200470 (VCV002200470.1), dbSNP rs190285844, ClinGen allele CA1351799.
Genomic context (GRCh38, chr1:205,072,585, plus strand): 5'-GCTCTAGTCTTAGCATTAAGTGGGACCCTGTGGTCCCTTTCCGAAATGAGTCTGCAGTCA[C>A]CGGCTATAAGGTGAGGAAGCAATCAGCTAGGCCCAGAATGGGAAGGAACAGCTCCTCTGT-3'
Protein context (NP_005067.1, residues 935-955): VVPFRNESAV[Thr945Asn]GYKMLYQNDL